The following is an entry in ClinVar:

NM_000921.5(PDE3A):c.200C>T (p.Ala67Val)

Genes: PDE3A (phosphodiesterase 3A; plus strand), PDE3A-AS1 (PDE3A antisense RNA 1; minus strand). Cytogenetic location: 12p12.2.
Variant type: single nucleotide variant.
Coding change: c.200C>T on transcript NM_000921.5 (MANE Select); coding-DNA position 200, C replaced by T.
Protein change: p.Ala67Val; replaces alanine 67 with valine.
Molecular consequence: missense variant. On other transcripts: 5 prime UTR variant (1).
Genome position (GRCh38, 1-based): chr12:20,369,484, C>T. VCF-style: chr12-20369484-C-T. GRCh37 (hg19) VCF-style: chr12-20522418-C-T.
Other names: c.200C>T, p.Ala67Val (NM_001378407.1); c.-829C>T (NM_001378408.1); short protein forms A67V.
Identifiers: ClinVar variation 1933394 (VCV001933394.5), dbSNP rs1179343639, ClinGen allele CA384293739.

ClinVar aggregate classification (germline): Uncertain significance (1 of 4 stars; one submission).

Allele frequency attached by ClinVar (database versions not stated): gnomAD exomes below 0.00001.
gnomAD v4.1: 2 of 1,556,994 alleles (0.00013%); highest among the groups gnomAD compares: South Asian, 0.0012%; no homozygotes.

Submission:

Labcorp Genetics (formerly Invitae), Labcorp
Classification: Uncertain significance. Last evaluated: 2024-12-02. Review status: criteria provided, single submitter. Criteria: Invitae Variant Classification Sherloc (09022015). Collection method: clinical testing. Allele origin: germline.
Comment: This sequence change replaces alanine, which is neutral and non-polar, with valine, which is neutral and non-polar, at codon 67 of the PDE3A protein (p.Ala67Val). This variant is present in population databases (no rsID available, gnomAD 0.01%). This variant has not been reported in the literature in individuals affected with PDE3A-related conditions. ClinVar contains an entry for this variant (Variation ID: 1933394). An algorithm developed to predict the effect of missense changes on protein structure and function (PolyPhen-2) suggests that this variant is likely to be disruptive. In summary, the available evidence is currently insufficient to determine the role of this variant in disease. Therefore, it has been classified as a Variant of Uncertain Significance.